The following is an entry in ClinVar:

NM_177438.3(DICER1):c.3886C>T (p.Leu1296Phe)

Gene: DICER1 (dicer 1, ribonuclease III; minus strand). Cytogenetic location: 14q32.13.
Variant type: single nucleotide variant.
Coding change: c.3886C>T on transcript NM_177438.3 (MANE Select); coding-DNA position 3886, C replaced by T.
Protein change: p.Leu1296Phe; replaces leucine 1296 with phenylalanine.
Molecular consequence: missense variant. On other transcripts: non-coding transcript variant (6).
Genome position (GRCh38, 1-based): chr14:95,103,510, G>A on the plus strand (C>T on the coding strand, the complement: DICER1 is on the minus strand). VCF-style: chr14-95103510-G-A. GRCh37 (hg19) VCF-style: chr14-95569847-G-A.
Other names: c.3886C>T, p.Leu1296Phe (NM_001195573.1, NM_001271282.3, NM_001291628.2 and 13 more transcripts); c.3604C>T, p.Leu1202Phe (NM_001395686.1); c.3481C>T, p.Leu1161Phe (NM_001395687.1, NM_001395688.1, NM_001395689.1 and 2 more transcripts); c.3319C>T, p.Leu1107Phe (NM_001395691.1); c.2203C>T, p.Leu735Phe (NM_001395697.1); short protein forms L1202F, L1107F, L1161F, L1296F, L735F.
Identifiers: ClinVar variation 2586405 (VCV002586405.2), dbSNP rs2542690862, ClinGen allele CA390873239.

ClinVar aggregate classification (germline): Uncertain significance (1 of 4 stars; one submission).

Conditions:
Hereditary cancer-predisposing syndrome. Also called: Hereditary neoplastic syndrome; Tumor predisposition; Hereditary Cancer Syndrome; Neoplastic Syndromes, Hereditary. Identifiers: Orphanet 140162, MedGen C0027672, MeSH D009386, MONDO:0015356.

Allele frequency attached by ClinVar (database versions not stated): gnomAD exomes 0.00001.
gnomAD v4.1: 14 of 1,614,166 alleles (0.00087%); highest among the groups gnomAD compares: Non-Finnish European, 0.0012%; no homozygotes.

Submission:

Ambry Genetics
Classification: Uncertain significance for Hereditary cancer-predisposing syndrome. Last evaluated: 2023-07-31. Review status: criteria provided, single submitter. Criteria: Ambry Variant Classification Scheme 2023. Collection method: clinical testing. Allele origin: germline.
Comment: The p.L1296F variant (also known as c.3886C>T), located in coding exon 20 of the DICER1 gene, results from a C to T substitution at nucleotide position 3886. The leucine at codon 1296 is replaced by phenylalanine, an amino acid with highly similar properties. This amino acid position is highly conserved in available vertebrate species. In addition, this alteration is predicted to be deleterious by in silico analysis. Since supporting evidence is limited at this time, the clinical significance of this alteration remains unclear.